The following is an entry in ClinVar:

NM_000143.4(FH):c.249T>C (p.Gly83=)

Gene: FH (fumarate hydratase; minus strand). Cytogenetic location: 1q43.
Variant type: single nucleotide variant.
Coding change: c.249T>C on transcript NM_000143.4 (MANE Select); coding-DNA position 249, T replaced by C.
Protein change: p.Gly83=; no amino-acid change (glycine 83 retained).
Molecular consequence: synonymous variant.
Genome position (GRCh38, 1-based): chr1:241,517,200, A>G on the plus strand (T>C on the coding strand, the complement: FH is on the minus strand). VCF-style: chr1-241517200-A-G. GRCh37 (hg19) VCF-style: chr1-241680500-A-G.
Identifiers: ClinVar variation 3773242 (VCV003773242.1).

ClinVar aggregate classification (germline): Benign (1 of 4 stars; one submission).

Conditions:
Hereditary leiomyomatosis and renal cell cancer. Also called: MULTIPLE CUTANEOUS AND UTERINE LEIOMYOMATA 1, WITH OR WITHOUT RENAL CELL CARCINOMA; LEIOMYOMA, MULTIPLE CUTANEOUS; FH tumor predisposition syndrome; Reed syndrome; Multiple cutaneous and uterine leiomyomatosis; Cutaneous leiomyomata with uterine leiomyomata. Identifiers: Orphanet 523, MedGen C1708350, MONDO:0007888, OMIM 150800, HP:0007437. Disease mechanism: loss of function.

Submission:

Myriad Genetics, Inc.
Classification: Benign for Hereditary leiomyomatosis and renal cell cancer. Last evaluated: 2024-10-17. Review status: criteria provided, single submitter. Criteria: Myriad Autosomal Dominant, Autosomal Recessive and X-Linked Classification Criteria (2023). Collection method: clinical testing. Allele origin: unknown.
Comment: This variant is considered benign. This variant is a silent/synonymous amino acid change and it is not expected to impact splicing.